The following continues an entry in ClinVar:

NM_001267550.2(TTN):c.104576G>A (p.Arg34859Gln)

ClinVar aggregate classification (germline): Benign/Likely benign. Benign (21); Likely benign (6).

Submissions 19 to 34 of 34:

Illumina Laboratory Services, Illumina
Classification: Likely benign for Early-onset myopathy with fatal cardiomyopathy. Last evaluated: 2018-01-12. Review status: criteria provided, single submitter. Criteria: ICSL Variant Classification Criteria 13 December 2019. Collection method: clinical testing. Allele origin: germline.
Comment: This variant was observed in the ICSL laboratory as part of a predisposition screen in an ostensibly healthy population. It had not been previously curated by ICSL or reported in the Human Gene Mutation Database (HGMD: prior to June 1st, 2018), and was therefore a candidate for classification through an automated scoring system. Utilizing variant allele frequency, disease prevalence and penetrance estimates, and inheritance mode, an automated score was calculated to assess if this variant is too frequent to cause the disease. Based on the score and internal cut-off values, a variant classified as likely benign is not then subjected to further curation. The score for this variant resulted in a classification of likely benign for this disease.

Illumina Laboratory Services, Illumina
Classification: Likely benign for Dilated cardiomyopathy 1G. Last evaluated: 2018-01-12. Review status: criteria provided, single submitter. Criteria: ICSL Variant Classification Criteria 13 December 2019. Collection method: clinical testing. Allele origin: germline.
Comment: the same text as in the submission from Illumina Laboratory Services, Illumina above.

Illumina Laboratory Services, Illumina
Classification: Benign for Tibial muscular dystrophy. Last evaluated: 2018-01-12. Review status: criteria provided, single submitter. Criteria: ICSL Variant Classification Criteria 13 December 2019. Collection method: clinical testing. Allele origin: germline.
Comment: This variant was observed in the ICSL laboratory as part of a predisposition screen in an ostensibly healthy population. It had not been previously curated by ICSL or reported in the Human Gene Mutation Database (HGMD: prior to June 1st, 2018), and was therefore a candidate for classification through an automated scoring system. Utilizing variant allele frequency, disease prevalence and penetrance estimates, and inheritance mode, an automated score was calculated to assess if this variant is too frequent to cause the disease. Based on the score and internal cut-off values, a variant classified as benign is not then subjected to further curation. The score for this variant resulted in a classification of benign for this disease.

Illumina Laboratory Services, Illumina
Classification: Likely benign for Autosomal recessive limb-girdle muscular dystrophy type 2J. Last evaluated: 2018-01-12. Review status: criteria provided, single submitter. Criteria: ICSL Variant Classification Criteria 13 December 2019. Collection method: clinical testing. Allele origin: germline.
Comment: the same text as in the submission from Illumina Laboratory Services, Illumina above.

GeneDx
Classification: Benign. Last evaluated: 2017-02-22. Review status: criteria provided, single submitter. Criteria: GeneDx Variant Classification (06012015). Collection method: clinical testing. Allele origin: germline. Affected: yes.
Comment: This variant is considered likely benign or benign based on one or more of the following criteria: it is a conservative change, it occurs at a poorly conserved position in the protein, it is predicted to be benign by multiple in silico algorithms, and/or has population frequency not consistent with disease.

Biesecker Lab/Clinical Genomics Section, National Institutes of Health
Classification: Benign. Last evaluated: 2013-06-24. Review status: criteria provided, single submitter. Criteria: Ng et al. (Circ Cardiovasc Genet. 2013). Collection method: research. Allele origin: unknown. Observed: 9 variant alleles. Study: ClinSeq.
Comment: The study set was not selected for affection status in relation to any cancer. Pathogenicity categories were based on literature curation. See Pubmed ID:23861362 for details.

Medical sequencing

Laboratory for Molecular Medicine, Mass General Brigham Personalized Medicine
Classification: Benign. Last evaluated: 2012-04-10. Review status: criteria provided, single submitter. Criteria: LMM Criteria. Collection method: clinical testing. Allele origin: germline. Observed: 40 variant alleles.

Breakthrough Genomics
Classification: Likely benign. Review status: criteria provided, single submitter. Criteria: ACMG Guidelines, 2015. Collection method: not provided. Allele origin: germline. Inheritance: Autosomal recessive inheritance. Affected: yes.

PreventionGenetics, part of Exact Sciences
Classification: Benign. Review status: criteria provided, single submitter. Criteria: ACMG Guidelines, 2015. Collection method: clinical testing. Allele origin: germline.

Foundation for Research in Genetics and Endocrinology, FRIGE's Institute of Human Genetics
Classification: Likely pathogenic for Autosomal recessive limb-girdle muscular dystrophy type 2J. Last evaluated: 2018-07-18. Review status: no assertion criteria provided. Collection method: clinical testing. Allele origin: germline. Inheritance: Autosomal recessive inheritance. Affected: yes and no. Observed: 4 variant alleles, 3 heterozygotes, 1 homozygote. Not counted in ClinVar's aggregate classification.
Comment: The observed variant c.104576G>A (p.Arg34859Gln) has a minor allele frequency of 0.0036 and 0.0130 in 1000 Genomes and ExAC databases respectively. The in silico prediction of the given variant is disease causing by MutationTaster2, and damaging by SIFT.

Clinical Genetics DNA and cytogenetics Diagnostics Lab, Erasmus MC, Erasmus Medical Center
Classification: Benign. Review status: no assertion criteria provided. Collection method: clinical testing. Allele origin: germline. Affected: yes. Study: VKGL Data-share Consensus. Not counted in ClinVar's aggregate classification.

Clinical Genetics, Academic Medical Center
Classification: Benign. Review status: no assertion criteria provided. Collection method: clinical testing. Allele origin: germline. Affected: yes. Study: VKGL Data-share Consensus. Not counted in ClinVar's aggregate classification.

Diagnostic Laboratory, Department of Genetics, University Medical Center Groningen
Classification: Likely benign. Review status: no assertion criteria provided. Collection method: clinical testing. Allele origin: germline. Affected: yes. Study: VKGL Data-share Consensus. Not counted in ClinVar's aggregate classification.

Genome Diagnostics Laboratory, University Medical Center Utrecht
Classification: Benign. Review status: no assertion criteria provided. Collection method: clinical testing. Allele origin: germline. Affected: yes. Study: VKGL Data-share Consensus. Not counted in ClinVar's aggregate classification.

Joint Genome Diagnostic Labs from Nijmegen and Maastricht, Radboudumc and MUMC+
Classification: Benign. Review status: no assertion criteria provided. Collection method: clinical testing. Allele origin: germline. Affected: yes. Study: VKGL Data-share Consensus. Not counted in ClinVar's aggregate classification.

Laboratory of Diagnostic Genome Analysis, Leiden University Medical Center (LUMC)
Classification: Benign. Review status: no assertion criteria provided. Collection method: clinical testing. Allele origin: germline. Affected: yes. Study: VKGL Data-share Consensus. Not counted in ClinVar's aggregate classification.

Literature cited by the submitters: PubMed 29420653 (cited by Athena Diagnostics); PubMed 37301943 (cited by Athena Diagnostics).